The following is an entry in ClinVar:

NM_000038.6(APC):c.1923T>A (p.Asn641Lys)

Gene: APC (APC regulator of Wnt signaling pathway; plus strand). Cytogenetic location: 5q22.2.
Variant type: single nucleotide variant.
Coding change: c.1923T>A on transcript NM_000038.6 (MANE Select); coding-DNA position 1923, T replaced by A.
Protein change: p.Asn641Lys; replaces asparagine 641 with lysine.
Molecular consequence: missense variant. On other transcripts: non-coding transcript variant (2).
Genome position (GRCh38, 1-based): chr5:112,835,130, T>A. VCF-style: chr5-112835130-T-A. GRCh37 (hg19) VCF-style: chr5-112170827-T-A.
Other names: c.1620T>A, p.Asn540Lys (NM_001354903.2, NM_001407458.1, NM_001407459.1 and 1 more transcripts); c.1545T>A, p.Asn515Lys (NM_001354904.2); c.1443T>A, p.Asn481Lys (NM_001354905.2); c.1074T>A, p.Asn358Lys (NM_001354906.2, NM_001407470.1); c.2007T>A, p.Asn669Lys (NM_001407446.1); c.1977T>A, p.Asn659Lys (NM_001407447.1, NM_001407448.1, NM_001407449.1 and 1 more transcripts); c.1923T>A, p.Asn641Lys (NM_001407450.1, NM_001127510.3, NM_001354895.2); c.1902T>A, p.Asn634Lys (NM_001407451.1); and 11 more; short protein forms N257K, N558K, N634K, N641K, N669K, N512K, N540K, N550K.
Identifiers: ClinVar variation 5025628 (VCV005025628.1).

ClinVar aggregate classification (germline): Uncertain significance (1 of 4 stars; one submission).

Conditions:
Hereditary cancer-predisposing syndrome. Also called: Neoplastic Syndromes, Hereditary; Tumor predisposition; Hereditary neoplastic syndrome; Hereditary Cancer Syndrome. Identifiers: Orphanet 140162, MedGen C0027672, MeSH D009386, MONDO:0015356.

Submission:

Ambry Genetics
Classification: Uncertain significance for Hereditary cancer-predisposing syndrome. Last evaluated: 2026-08-02. Review status: criteria provided, single submitter. Criteria: Ambry Variant Classification Scheme 2023. Collection method: clinical testing. Allele origin: germline.
Comment: The p.N641K variant (also known as c.1923T>A), located in coding exon 14 of the APC gene, results from a T to A substitution at nucleotide position 1923. The asparagine at codon 641 is replaced by lysine, an amino acid with similar properties. This amino acid position is conserved. In addition, in silico predictors for this gene do not accurately predict pathogenicity. Based on the available evidence, the clinical significance of this variant remains unclear.